The following is an entry in ClinVar:

NM_153240.5(NPHP3):c.1082C>G (p.Ser361Cys)

Genes: NPHP3 (nephrocystin 3; minus strand), NPHP3-ACAD11 (NPHP3-ACAD11 readthrough (NMD candidate); minus strand). Cytogenetic location: 3q22.1.
Variant type: single nucleotide variant.
Coding change: c.1082C>G on transcript NM_153240.5 (MANE Select); coding-DNA position 1082, C replaced by G.
Protein change: p.Ser361Cys; replaces serine 361 with cysteine.
Molecular consequence: missense variant. On other transcripts: non-coding transcript variant (1).
Genome position (GRCh38, 1-based): chr3:132,713,162, G>C on the plus strand (C>G on the coding strand, the complement: NPHP3 is on the minus strand). VCF-style: chr3-132713162-G-C. GRCh37 (hg19) VCF-style: chr3-132432006-G-C.
Other names: short protein forms S361C.
Identifiers: ClinVar variation 450392 (VCV000450392.20), dbSNP rs146250226, ClinGen allele CA2622426.

ClinVar aggregate classification (germline): Conflicting classifications of pathogenicity. Review status: criteria provided, conflicting classifications (1 of 4 stars). 7 submissions from 7 submitters: Uncertain significance (6); Likely benign (1). Last evaluated 2026-01-25.

Conditions:
NPHP3-related disorder. Also called: NPHP3-related condition; NPHP3-related disorders. Identifiers: MedGen CN379163.
Nephronophthisis. Also called: Juvenile Nephronophthisis. Identifiers: Orphanet 655, MedGen C0687120, MONDO:0019005, HP:0000090.
Renal-hepatic-pancreatic dysplasia 1 (RHPD1). Identifiers: MedGen C3715199, MONDO:0008833, OMIM 208540.
Nephronophthisis 3 (NPHP3). Also called: Adolescent nephronophthisis. Identifiers: Orphanet 655, MedGen C1858392, MONDO:0011456, OMIM 604387.
NPHP3-related Meckel-like syndrome. Also called: GOLDSTON SYNDROME; Meckel syndrome type 7. Identifiers: Orphanet 3032, MedGen C2673885, MONDO:0009966, OMIM 267010.

Allele frequency attached by ClinVar (database versions not stated): 1000 Genomes Project 30x 0.00094; gnomAD exomes 0.00005 and 0.00024; gnomAD 0.00026; ExAC 0.00027; TOPMed 0.00035; 1000 Genomes Project 0.00080.
gnomAD v4.1: 93 of 1,501,520 alleles (0.0062%); highest among the groups gnomAD compares: East Asian, 0.2%; no homozygotes.

Submissions (7):

Labcorp Genetics (formerly Invitae), Labcorp
Classification: Likely benign for Nephronophthisis. Last evaluated: 2026-01-25. Review status: criteria provided, single submitter. Criteria: Invitae Variant Classification Sherloc (09022015). Collection method: clinical testing. Allele origin: germline.

PreventionGenetics, part of Exact Sciences
Classification: Uncertain significance for NPHP3-related condition. Last evaluated: 2025-11-17. Review status: criteria provided, single submitter. Criteria: ACMG Guidelines, 2015. Collection method: clinical testing. Allele origin: germline.
Comment: The NPHP3 c.1082C>G variant is predicted to result in the amino acid substitution p.Ser361Cys. This variant has been reported in the compound heterozygous state in two individual with chronic kidney disease and/or kidney failure (Table 2, Wang et al. 2021. PubMed ID: 34295353; Table 2, Li et al. 2022. PubMed ID: 36227438). This variant was also identified in the compound heterozygous state in a individual with adult nephronophthisis (Li et al. 2024. PubMed ID: 38617907). This variant is reported in 0.32% of alleles in individuals of East Asian descent in gnomAD. At this time, the clinical significance of this variant is uncertain due to the absence of conclusive functional and genetic evidence.

Blueprint Genetics
Classification: Uncertain significance. Last evaluated: 2024-09-13. Review status: criteria provided, single submitter. Criteria: ACMG Guidelines, 2015. Collection method: clinical testing. Allele origin: germline.

Fulgent Genetics
Classification: Uncertain significance for Renal-hepatic-pancreatic dysplasia 1; NPHP3-related Meckel-like syndrome; Nephronophthisis 3. Last evaluated: 2018-10-31. Review status: criteria provided, single submitter. Criteria: ACMG Guidelines, 2015. Collection method: clinical testing. Allele origin: unknown.

Eurofins Ntd Llc (ga)
Classification: Uncertain significance. Last evaluated: 2017-12-20. Review status: criteria provided, single submitter. Criteria: EGL Classification Definitions 2015. Collection method: clinical testing. Allele origin: germline. Observed: 1 variant allele, 1 heterozygote.

GeneDx
Classification: Uncertain significance. Last evaluated: 2017-07-18. Review status: criteria provided, single submitter. Criteria: GeneDx Variant Classification (06012015). Collection method: clinical testing. Allele origin: germline. Affected: yes.
Comment: The S361C variant in the NPHP3 gene has not been reported previously as a pathogenic variant, nor as a benign variant, to our knowledge. The S361C variant is observed in 27/7898 (0.3%) alleles from individuals of East Asian background, in the ExAC dataset (Lek et al., 2016). The S361C variant is a non-conservative amino acid substitution, which is likely to impact secondary protein structure as these residues differ in polarity, charge, size and/or other properties. This substitution occurs at a position that is conserved across species. In silico analysis is inconsistent in its predictions as to whether or not the variant is damaging to the protein structure/function. We interpret S361C as a variant of uncertain significance.

Juno Genomics, Hangzhou Juno Genomics, Inc
Classification: Uncertain significance for NPHP3-related Meckel-like syndrome; Nephronophthisis 3; Renal-hepatic-pancreatic dysplasia 1. Review status: criteria provided, single submitter. Criteria: ACMG Guidelines, 2015. Collection method: clinical testing. Allele origin: germline.
Comment: Observed in a healthy adult individual for a recessive/dominant/X-linked disorder with full penetrance.;For recessive disorders, detected in trans with a pathogenic variant.